The following is an entry in ClinVar:

ClinVar aggregate classification (germline): Pathogenic (1 of 4 stars; one submission).

Conditions:
Niemann-Pick disease, type C1. Also called: NEUROVISCERAL STORAGE DISEASE WITH VERTICAL SUPRANUCLEAR OPHTHALMOPLEGIA; NIEMANN-PICK DISEASE WITH CHOLESTEROL ESTERIFICATION BLOCK; NIEMANN-PICK DISEASE WITHOUT SPHINGOMYELINASE DEFICIENCY; NIEMANN-PICK DISEASE, CHRONIC NEURONOPATHIC FORM; NIEMANN-PICK DISEASE, VARIANT TYPE C1. Identifiers: Orphanet 646, MedGen C3179455, MONDO:0009757, OMIM 257220.

Submission:

Labcorp Genetics (formerly Invitae), Labcorp
Classification: Pathogenic for Niemann-Pick disease, type C1. Last evaluated: 2023-11-25. Review status: criteria provided, single submitter. Criteria: Invitae Variant Classification Sherloc (09022015). Collection method: clinical testing. Allele origin: germline.
Comment: This sequence change creates a premature translational stop signal (p.Gln1046Alafs*5) in the NPC1 gene. It is expected to result in an absent or disrupted protein product. Loss-of-function variants in NPC1 are known to be pathogenic (PMID: 9211850). This variant is not present in population databases (gnomAD no frequency). This premature translational stop signal has been observed in individual(s) with Niemann-Pick disease type C (PMID: 11349231). For these reasons, this variant has been classified as Pathogenic.

Literature cited by the submitters: PubMed 9211850; PubMed 11349231.

NM_000271.5(NPC1):c.3135dup (p.Gln1046fs)

Gene: NPC1 (NPC intracellular cholesterol transporter 1; minus strand). Cytogenetic location: 18q11.2.
Variant type: Duplication.
Coding change: c.3135dup on transcript NM_000271.5 (MANE Select); coding-DNA position 3135, one base duplicated (G; older notation c.3135dupG).
Protein change: p.Gln1046fs; shifts the reading frame from glutamine 1046.
Molecular consequence: frameshift variant.
Genome position (GRCh38, 1-based): chr18:23,536,783, C duplicated on the plus strand (G on the coding strand, the reverse complement: NPC1 is on the minus strand). VCF-style (leftmost placement, unchanged base first): chr18-23536782-G-GC. GRCh37 (hg19) VCF-style: chr18-21116746-G-GC.
Other names: short protein forms Q1046fs.
Identifiers: ClinVar variation 2736700 (VCV002736700.3), dbSNP rs2511197396, ClinGen allele CA2695227428.